The following is an entry in ClinVar:

NM_153704.6(TMEM67):c.233G>A (p.Cys78Tyr)

Gene: TMEM67 (transmembrane protein 67; plus strand). Cytogenetic location: 8q22.1.
Variant type: single nucleotide variant.
Coding change: c.233G>A on transcript NM_153704.6 (MANE Select); coding-DNA position 233, G replaced by A.
Protein change: p.Cys78Tyr; replaces cysteine 78 with tyrosine.
Molecular consequence: missense variant. On other transcripts: non-coding transcript variant (1), intron variant (1).
Genome position (GRCh38, 1-based): chr8:93,755,787, G>A. VCF-style: chr8-93755787-G-A. GRCh37 (hg19) VCF-style: chr8-94768015-G-A.
Other names: c.-62+650G>A (NM_001142301.1); short protein forms C78Y.
Identifiers: ClinVar variation 561133 (VCV000561133.6), dbSNP rs1563673490, ClinGen allele CA371685538.

ClinVar aggregate classification (germline): Conflicting classifications of pathogenicity. Review status: criteria provided, conflicting classifications (1 of 4 stars). 3 submissions from 3 submitters: Pathogenic (1); Likely pathogenic (1); Uncertain significance (1). Last evaluated 2026-01-04.

Conditions:
TMEM67-related disorder. Also called: TMEM67-related disorders; TMEM67-related condition. Identifiers: MedGen CN239423.
Joubert syndrome. Also called: Familial aplasia of the vermis; JOUBERT-BOLTSHAUSER SYNDROME. Identifiers: Orphanet 475, MedGen C5979921, MONDO:0018772.
Meckel-Gruber syndrome. Also called: Dysencephalia splachnocystica; DYSENCEPHALIA SPLANCHNOCYSTICA; GRUBER SYNDROME. Identifiers: Orphanet 564, MedGen C0265215, MONDO:0018921.
Meckel syndrome, type 3 (MKS3). Also called: MECKEL-GRUBER SYNDROME, TYPE 3. Identifiers: Orphanet 564, MedGen C1846357, MONDO:0011821, OMIM 607361.

Allele frequency attached by ClinVar (database versions not stated): gnomAD exomes below 0.00001.

Submissions (3):

Labcorp Genetics (formerly Invitae), Labcorp
Classification: Pathogenic for Joubert syndrome; Meckel-Gruber syndrome. Last evaluated: 2026-01-04. Review status: criteria provided, single submitter. Criteria: Invitae Variant Classification Sherloc (09022015). Collection method: clinical testing. Allele origin: germline.
Comment: This sequence change replaces cysteine, which is neutral and slightly polar, with tyrosine, which is neutral and polar, at codon 78 of the TMEM67 protein (p.Cys78Tyr). This variant is not present in population databases (gnomAD no frequency). This missense change has been observed in individual(s) with clinical features of TMEM67-related conditions (PMID: 26275793, 29261186). In at least one individual the data is consistent with being in trans (on the opposite chromosome) from a pathogenic variant. ClinVar contains an entry for this variant (Variation ID: 561133). Invitae Evidence Modeling of protein sequence and biophysical properties (such as structural, functional, and spatial information, amino acid conservation, physicochemical variation, residue mobility, and thermodynamic stability) indicates that this missense variant is expected to disrupt TMEM67 protein function with a positive predictive value of 95%. For these reasons, this variant has been classified as Pathogenic.

Blueprint Genetics
Classification: Likely pathogenic for TMEM67-related disorders. Last evaluated: 2022-09-02. Review status: criteria provided, single submitter. Criteria: ACMG Guidelines, 2015. Collection method: clinical testing. Allele origin: germline. Affected: yes. Observed: 4 variant alleles.

Baylor Genetics
Classification: Uncertain significance for Meckel syndrome, type 3. Last evaluated: 2017-09-01. Review status: criteria provided, single submitter. Criteria: ACMG Guidelines, 2015. Collection method: clinical testing. Allele origin: paternal. Inheritance: Autosomal recessive inheritance. Affected: yes.

Literature cited by the submitters: PubMed 26275793 (cited by Labcorp Genetics (formerly Invitae), Labcorp); PubMed 29261186 (cited by Labcorp Genetics (formerly Invitae), Labcorp); PubMed 25326635 (cited by Baylor Genetics).